The following is an entry in ClinVar:

NM_005655.4(KLF10):c.888C>G (p.Ser296Arg)

Gene: KLF10 (KLF transcription factor 10; minus strand). Cytogenetic location: 8q22.3.
Variant type: single nucleotide variant.
Coding change: c.888C>G on transcript NM_005655.4 (MANE Select); coding-DNA position 888, C replaced by G.
Protein change: p.Ser296Arg; replaces serine 296 with arginine.
Molecular consequence: missense variant.
Genome position (GRCh38, 1-based): chr8:102,651,444, G>C on the plus strand (C>G on the coding strand, the complement: KLF10 is on the minus strand). VCF-style: chr8-102651444-G-C. GRCh37 (hg19) VCF-style: chr8-103663672-G-C.
Other names: c.855C>G, p.Ser285Arg (NM_001032282.4); short protein forms S296R, S285R.
Identifiers: ClinVar variation 3650764 (VCV003650764.2).

ClinVar aggregate classification (germline): Uncertain significance (1 of 4 stars; one submission).

gnomAD v4.1: 2 of 1,613,982 alleles (0.00012%); highest among the groups gnomAD compares: Non-Finnish European, 0.00017%; no homozygotes.

Submission:

Labcorp Genetics (formerly Invitae), Labcorp
Classification: Uncertain significance. Last evaluated: 2024-04-24. Review status: criteria provided, single submitter. Criteria: Invitae Variant Classification Sherloc (09022015). Collection method: clinical testing. Allele origin: germline.
Comment: This sequence change replaces serine, which is neutral and polar, with arginine, which is basic and polar, at codon 296 of the KLF10 protein (p.Ser296Arg). This variant is not present in population databases (gnomAD no frequency). This variant has not been reported in the literature in individuals affected with KLF10-related conditions. An algorithm developed to predict the effect of missense changes on protein structure and function (PolyPhen-2) suggests that this variant is likely to be disruptive. In summary, the available evidence is currently insufficient to determine the role of this variant in disease. Therefore, it has been classified as a Variant of Uncertain Significance.